The following is an entry in ClinVar:

ClinVar aggregate classification (germline): Uncertain significance. Review status: criteria provided, multiple submitters, no conflicts (2 of 4 stars). 2 submissions from 2 submitters: Uncertain significance (2). Last evaluated 2024-05-28.

Conditions:
Left ventricular noncompaction 8 (LVNC8). Identifiers: Orphanet 154, Orphanet 54260, MedGen C3809288, MONDO:0014152, OMIM 615373.

Allele frequency attached by ClinVar (database versions not stated): TOPMed 0.00002; gnomAD 0.00003.
gnomAD v4.1: 34 of 1,576,880 alleles (0.0022%); highest among the groups gnomAD compares: African/African-American, 0.0027%; no homozygotes.

Submissions (2):

Labcorp Genetics (formerly Invitae), Labcorp
Classification: Uncertain significance for Left ventricular noncompaction 8. Last evaluated: 2024-05-28. Review status: criteria provided, single submitter. Criteria: Invitae Variant Classification Sherloc (09022015). Collection method: clinical testing. Allele origin: germline.
Comment: This sequence change replaces valine, which is neutral and non-polar, with methionine, which is neutral and non-polar, at codon 114 of the PRDM16 protein (p.Val114Met). This variant is present in population databases (rs749076034, gnomAD 0.001%). This variant has not been reported in the literature in individuals affected with PRDM16-related conditions. ClinVar contains an entry for this variant (Variation ID: 569721). Algorithms developed to predict the effect of missense changes on protein structure and function output the following: SIFT: "Not Available"; PolyPhen-2: "Benign"; Align-GVGD: "Not Available". The methionine amino acid residue is found in multiple mammalian species, which suggests that this missense change does not adversely affect protein function. In summary, the available evidence is currently insufficient to determine the role of this variant in disease. Therefore, it has been classified as a Variant of Uncertain Significance.

Fulgent Genetics
Classification: Uncertain significance for Left ventricular noncompaction 8. Last evaluated: 2022-02-15. Review status: criteria provided, single submitter. Criteria: ACMG Guidelines, 2015. Collection method: clinical testing. Allele origin: unknown.

NM_022114.4(PRDM16):c.340G>A (p.Val114Met)

Gene: PRDM16 (PR/SET domain 16; plus strand). Cytogenetic location: 1p36.32.
Variant type: single nucleotide variant.
Coding change: c.340G>A on transcript NM_022114.4 (MANE Select); coding-DNA position 340, G replaced by A.
Protein change: p.Val114Met; replaces valine 114 with methionine.
Molecular consequence: missense variant.
Genome position (GRCh38, 1-based): chr1:3,186,427, G>A. VCF-style: chr1-3186427-G-A. GRCh37 (hg19) VCF-style: chr1-3102991-G-A.
Other names: c.340G>A, p.Val114Met (NM_199454.3); short protein forms V114M.
Identifiers: ClinVar variation 569721 (VCV000569721.7), dbSNP rs749076034, ClinGen allele CA543745.